The following is an entry in ClinVar:

ClinVar aggregate classification (germline): Benign. Review status: criteria provided, multiple submitters, no conflicts (2 of 4 stars). 3 submissions from 3 submitters: Benign (3). Last evaluated 2026-09-01.

Conditions:
Diaphanospondylodysostosis. Also called: VERTEBRAL OSSIFICATION, DEFECT IN, WITH NEPHROGENIC RESTS. Identifiers: Orphanet 66637, MedGen C1842691, MONDO:0011946, OMIM 608022.

Allele frequency attached by ClinVar (database versions not stated): 1000 Genomes Project 0.00719; 1000 Genomes Project 30x 0.00828; TOPMed 0.00855; ESP Exome Variant Server 0.00861; gnomAD 0.00895 and 0.00918; gnomAD exomes 0.01025 and 0.01188; ExAC 0.01029.
gnomAD v4.1: 18,818 of 1,613,166 alleles (1.2%); highest among the groups gnomAD compares: Middle Eastern, 3.2%; 147 homozygotes.

Submissions (3):

CeGaT Center for Human Genetics Tuebingen
Classification: Benign. Last evaluated: 2026-09-01. Review status: criteria provided, single submitter. Criteria: CeGaT Center For Human Genetics Tuebingen Variant Classification Criteria Version 2. Collection method: clinical testing. Allele origin: germline. Affected: yes. Observed: 5 variant alleles.
Comment: BMPER: BP4, BP7, BS1, BS2

Labcorp Genetics (formerly Invitae), Labcorp
Classification: Benign. Last evaluated: 2026-01-26. Review status: criteria provided, single submitter. Criteria: Invitae Variant Classification Sherloc (09022015). Collection method: clinical testing. Allele origin: germline.

Illumina Laboratory Services, Illumina
Classification: Benign for Diaphanospondylodysostosis. Last evaluated: 2018-01-13. Review status: criteria provided, single submitter. Criteria: ICSL Variant Classification Criteria 13 December 2019. Collection method: clinical testing. Allele origin: germline.
Comment: This variant was observed in the ICSL laboratory as part of a predisposition screen in an ostensibly healthy population. It had not been previously curated by ICSL or reported in the Human Gene Mutation Database (HGMD: prior to June 1st, 2018), and was therefore a candidate for classification through an automated scoring system. Utilizing variant allele frequency, disease prevalence and penetrance estimates, and inheritance mode, an automated score was calculated to assess if this variant is too frequent to cause the disease. Based on the score and internal cut-off values, a variant classified as benign is not then subjected to further curation. The score for this variant resulted in a classification of benign for this disease.

NM_001365308.1(BMPER):c.774T>G (p.Ala258=)

Gene: BMPER (BMP binding endothelial regulator; plus strand). Cytogenetic location: 7p14.3.
Variant type: single nucleotide variant.
Coding change: c.774T>G on transcript NM_001365308.1 (MANE Select); coding-DNA position 774, T replaced by G.
Protein change: p.Ala258=; no amino-acid change (alanine 258 retained).
Molecular consequence: synonymous variant.
Genome position (GRCh38, 1-based): chr7:34,051,958, T>G. VCF-style: chr7-34051958-T-G. GRCh37 (hg19) VCF-style: chr7-34091570-T-G.
Other names: c.774T>G, p.Ala258= (NM_133468.5).
Identifiers: ClinVar variation 360104 (VCV000360104.14), dbSNP rs117988035, ClinGen allele CA4215178.